The following is an entry in ClinVar:

NM_004655.4(AXIN2):c.1634G>A (p.Gly545Glu)

Gene: AXIN2 (axin 2; minus strand). Cytogenetic location: 17q24.1.
Variant type: single nucleotide variant.
Coding change: c.1634G>A on transcript NM_004655.4 (MANE Select); coding-DNA position 1634, G replaced by A.
Protein change: p.Gly545Glu; replaces glycine 545 with glutamic acid.
Molecular consequence: missense variant.
Genome position (GRCh38, 1-based): chr17:65,537,402, C>T on the plus strand (G>A on the coding strand, the complement: AXIN2 is on the minus strand). VCF-style: chr17-65537402-C-T. GRCh37 (hg19) VCF-style: chr17-63533520-C-T.
Other names: c.1634G>A, p.Gly545Glu (NM_001363813.1); short protein forms G545E.
Identifiers: ClinVar variation 1002900 (VCV001002900.11), dbSNP rs781658851, ClinGen allele CA400677074.

ClinVar aggregate classification (germline): Uncertain significance. Review status: criteria provided, multiple submitters, no conflicts (2 of 4 stars). 2 submissions from 2 submitters: Uncertain significance (2). Last evaluated 2023-06-19.

Conditions:
Hereditary cancer-predisposing syndrome. Also called: Hereditary neoplastic syndrome; Neoplastic Syndromes, Hereditary; Tumor predisposition; Hereditary Cancer Syndrome. Identifiers: Orphanet 140162, MedGen C0027672, MeSH D009386, MONDO:0015356.
Oligodontia-cancer predisposition syndrome. Also called: TOOTH AGENESIS-COLORECTAL CANCER SYNDROME. Identifiers: Orphanet 300576, MedGen C1837750, MONDO:0012075, OMIM 608615. Disease mechanism: loss of function.

Allele frequency attached by ClinVar (database versions not stated): gnomAD 0.00001; TOPMed 0.00001.
gnomAD v4.1: 1 of 1,613,924 alleles (0.000062%); highest among the groups gnomAD compares: East Asian, 0.0022%; no homozygotes.

Submissions (2):

Labcorp Genetics (formerly Invitae), Labcorp
Classification: Uncertain significance for Oligodontia-cancer predisposition syndrome. Last evaluated: 2023-06-19. Review status: criteria provided, single submitter. Criteria: Invitae Variant Classification Sherloc (09022015). Collection method: clinical testing. Allele origin: germline.
Comment: In summary, the available evidence is currently insufficient to determine the role of this variant in disease. Therefore, it has been classified as a Variant of Uncertain Significance. Advanced modeling of protein sequence and biophysical properties (such as structural, functional, and spatial information, amino acid conservation, physicochemical variation, residue mobility, and thermodynamic stability) performed at Invitae indicates that this missense variant is not expected to disrupt AXIN2 protein function. ClinVar contains an entry for this variant (Variation ID: 1002900). This variant has not been reported in the literature in individuals affected with AXIN2-related conditions. This variant is not present in population databases (gnomAD no frequency). This sequence change replaces glycine, which is neutral and non-polar, with glutamic acid, which is acidic and polar, at codon 545 of the AXIN2 protein (p.Gly545Glu).

Ambry Genetics
Classification: Uncertain significance for Hereditary cancer-predisposing syndrome. Last evaluated: 2022-06-04. Review status: criteria provided, single submitter. Criteria: Ambry Variant Classification Scheme 2023. Collection method: clinical testing. Allele origin: germline.
Comment: The p.G545E variant (also known as c.1634G>A), located in coding exon 5 of the AXIN2 gene, results from a G to A substitution at nucleotide position 1634. The glycine at codon 545 is replaced by glutamic acid, an amino acid with similar properties. This amino acid position is conserved. In addition, this alteration is predicted to be tolerated by in silico analysis. Since supporting evidence is limited at this time, the clinical significance of this alteration remains unclear.